The following is an entry in ClinVar:

ClinVar aggregate classification (germline): Pathogenic (1 of 4 stars; one submission).

Conditions:
CHARGE syndrome (CHARGE). Also called: Coloboma, heart anomaly, choanal atresia, retardation, genital and ear anomalies; CHARGE association; Hall-Hittner syndrome; Hittner Hirsch Kreh syndrome; CHARGE ASSOCIATION--COLOBOMA, HEART ANOMALY, CHOANAL ATRESIA, RETARDATION, GENITAL AND EAR ANOMALIES. Identifiers: Orphanet 138, MedGen C0265354, MONDO:0008965.

Submission:

Labcorp Genetics (formerly Invitae), Labcorp
Classification: Pathogenic for CHARGE association. Last evaluated: 2018-10-29. Review status: criteria provided, single submitter. Criteria: Invitae Variant Classification Sherloc (09022015). Collection method: clinical testing. Allele origin: germline.
Comment: This sequence change creates a premature translational stop signal (p.Phe10Trpfs*9) in the CHD7 gene. It is expected to result in an absent or disrupted protein product. This variant is not present in population databases (ExAC no frequency). This variant has not been reported in the literature in individuals with CHD7-related disease. Loss-of-function variants in CHD7 are known to be pathogenic (PMID: 22461308, 25077900). For these reasons, this variant has been classified as Pathogenic.

NM_017780.4(CHD7):c.29_30del (p.Phe10fs)

Gene: CHD7 (chromodomain helicase DNA binding protein 7; plus strand). Cytogenetic location: 8q12.2.
Variant type: Deletion.
Coding change: c.29_30del on transcript NM_017780.4 (MANE Select); coding-DNA positions 29 to 30, 2 bases deleted (TT; older notation c.29_30delTT).
Protein change: p.Phe10fs; shifts the reading frame from phenylalanine 10.
Molecular consequence: frameshift variant.
Genome position (GRCh38, 1-based): chr8:60,741,461-60,741,462, TT deleted; deleting any 2 consecutive bases within chr8:60,741,458-60,741,462 gives the same sequence; the c. name uses the placement nearest the transcript's 3' end. VCF-style (leftmost placement, unchanged base first): chr8-60741457-CTT-C. GRCh37 (hg19) VCF-style: chr8-61654016-CTT-C.
Other names: c.29_30del, p.Phe10fs (NM_001316690.1); short protein forms F10fs.
Identifiers: ClinVar variation 644954 (VCV000644954.1), dbSNP rs1586247124, ClinGen allele CA915945713.